The following is an entry in ClinVar:

NM_032802.4(SPPL2A):c.287A>T (p.His96Leu)

Gene: SPPL2A (signal peptide peptidase like 2A; minus strand). Cytogenetic location: 15q21.2.
Variant type: single nucleotide variant.
Coding change: c.287A>T on transcript NM_032802.4 (MANE Select); coding-DNA position 287, A replaced by T.
Protein change: p.His96Leu; replaces histidine 96 with leucine.
Molecular consequence: missense variant.
Genome position (GRCh38, 1-based): chr15:50,748,761, T>A on the plus strand (A>T on the coding strand, the complement: SPPL2A is on the minus strand). VCF-style: chr15-50748761-T-A. GRCh37 (hg19) VCF-style: chr15-51040958-T-A.
Other names: short protein forms H96L.
Identifiers: ClinVar variation 2780067 (VCV002780067.3), dbSNP rs988179823, ClinGen allele CA270520533.

ClinVar aggregate classification (germline): Uncertain significance (1 of 4 stars; one submission).

Allele frequency attached by ClinVar (database versions not stated): TOPMed below 0.00001.
gnomAD v4.1: 1 of 1,612,018 alleles (0.000062%); highest among the groups gnomAD compares: Non-Finnish European, 0.000085%; no homozygotes.

Submission:

Labcorp Genetics (formerly Invitae), Labcorp
Classification: Uncertain significance. Last evaluated: 2025-04-28. Review status: criteria provided, single submitter. Criteria: Invitae Variant Classification Sherloc (09022015). Collection method: clinical testing. Allele origin: germline.
Comment: This sequence change replaces histidine, which is basic and polar, with leucine, which is neutral and non-polar, at codon 96 of the SPPL2A protein (p.His96Leu). This variant is not present in population databases (gnomAD no frequency). This variant has not been reported in the literature in individuals affected with SPPL2A-related conditions. ClinVar contains an entry for this variant (Variation ID: 2780067). An algorithm developed to predict the effect of missense changes on protein structure and function (PolyPhen-2) suggests that this variant is likely to be tolerated. In summary, the available evidence is currently insufficient to determine the role of this variant in disease. Therefore, it has been classified as a Variant of Uncertain Significance.